The following is an entry in ClinVar:

NM_015629.4(PRPF31):c.322+4_322+7del

Genes: PRPF31 (pre-mRNA processing factor 31; plus strand), PRPF31-AS1 (PRPF31 antisense RNA 1; minus strand). Cytogenetic location: 19q13.42.
Variant type: Microsatellite.
Coding change: c.322+4_322+7del on transcript NM_015629.4 (MANE Select); bases 4 to 7 of the intron after coding-DNA position 322, 4 bases deleted (AGTG; older notation c.322+4_322+7delAGTG).
Molecular consequence: splice donor variant.
Genome position (GRCh38, 1-based): chr19:54,121,947-54,121,950, AGTG deleted; deleting any 4 consecutive bases within chr19:54,121,941-54,121,950 gives the same sequence; the c. name uses the placement nearest the transcript's 3' end. VCF-style (leftmost placement, unchanged base first): chr19-54121940-CTGAG-C. GRCh37 (hg19) VCF-style: chr19-54625319-CTGAG-C.
Identifiers: ClinVar variation 871361 (VCV000871361.49), dbSNP rs2073801044, ClinGen allele CA1139666588.

ClinVar aggregate classification (germline): Pathogenic/Likely pathogenic. Review status: criteria provided, multiple submitters, no conflicts (2 of 4 stars). 5 submissions from 5 submitters: Pathogenic (4); Likely pathogenic (1). Last evaluated 2026-01-05.

Conditions:
PRPF31-related disorder. Also called: PRPF31-related condition.
Retinitis pigmentosa 11 (RP11). Identifiers: Orphanet 791, MedGen C1838601, MONDO:0010828, OMIM 600138.

Submissions (5):

Labcorp Genetics (formerly Invitae), Labcorp
Classification: Pathogenic. Last evaluated: 2026-01-05. Review status: criteria provided, single submitter. Criteria: Invitae Variant Classification Sherloc (09022015). Collection method: clinical testing. Allele origin: germline.
Comment: This sequence change falls in intron 4 of the PRPF31 gene. It does not directly change the encoded amino acid sequence of the PRPF31 protein. It affects a nucleotide within the consensus splice site. This variant is not present in population databases (gnomAD no frequency). This variant has been observed in individuals with clinical features of PRPF31-related conditions (PMID: 27596865, 32037395; internal data). Variants that disrupt the consensus splice site are a relatively common cause of aberrant splicing (PMID: 17576681, 9536098). Algorithms developed to predict the effect of sequence changes on RNA splicing suggest that this variant may disrupt the consensus splice site. For these reasons, this variant has been classified as Pathogenic.

GeneDx
Classification: Likely pathogenic. Last evaluated: 2025-02-04. Review status: criteria provided, single submitter. Criteria: GeneDx Variant Classification Process June 2021. Collection method: clinical testing. Allele origin: germline. Affected: yes.
Comment: Not observed at significant frequency in large population cohorts (gnomAD); Intronic +5 splice site variant in a gene for which loss of function is a known mechanism of disease, and both splice predictors and evolutionary conservation support a deleterious effect, although in the absence of functional evidence the actual effect of this sequence change is unknown.; This variant is associated with the following publications: (PMID: 32037395, 18704120, 10366078, 27596865, 36317469, 38909744)

3billion
Classification: Pathogenic for Retinitis pigmentosa 11. Last evaluated: 2024-06-27. Review status: criteria provided, single submitter. Criteria: ACMG Guidelines, 2015. Collection method: clinical testing. Allele origin: germline. Affected: yes.
Comment: The variant is not observed in the gnomAD v4.0.0 dataset. Predicted Consequence/Location: Canonical splice site: predicted to alter splicing and result in a loss or disruption of normal protein function. Multiple pathogenic loss-of-function variants are reported downstream of the variant. The variant has been reported at least twice as pathogenic with clinical assertions and evidence for the classification (ClinVar ID: VCV000871361 /PMID: 18704120 /3billion dataset). Therefore, this variant is classified as Pathogenic according to the recommendation of ACMG/AMP guideline.

Blueprint Genetics
Classification: Pathogenic for PRPF31-related disorders. Last evaluated: 2022-08-22. Review status: criteria provided, single submitter. Criteria: ACMG Guidelines, 2015. Collection method: clinical testing. Allele origin: germline. Affected: yes. Observed: 5 variant alleles.

CeGaT Center for Human Genetics Tuebingen
Classification: Pathogenic. Last evaluated: 2019-10-01. Review status: criteria provided, single submitter. Criteria: CeGaT Center For Human Genetics Tuebingen Variant Classification Criteria Version 2. Collection method: clinical testing. Allele origin: germline. Affected: yes. Observed: 2 variant alleles.

Literature cited by the submitters: PubMed 27596865 (cited by Labcorp Genetics (formerly Invitae), Labcorp); PubMed 32037395 (cited by Labcorp Genetics (formerly Invitae), Labcorp); PubMed 17576681 (cited by Labcorp Genetics (formerly Invitae), Labcorp); PubMed 9536098 (cited by Labcorp Genetics (formerly Invitae), Labcorp); PubMed 18704120 (cited by 3billion).